The following is an entry in ClinVar:

ClinVar aggregate classification (germline): Uncertain significance. Review status: criteria provided, multiple submitters, no conflicts (2 of 4 stars). 2 submissions from 2 submitters: Uncertain significance (2). Last evaluated 2021-07-26.

Conditions:
Familial sleep-related hypermotor epilepsy. Also called: Autosomal Dominant Sleep-Related Hypermotor (Hyperkinetic) Epilepsy. Identifiers: Orphanet 98784, MedGen C3696898, MONDO:0000030.
Inborn genetic diseases. Identifiers: MedGen C0950123, MeSH D030342.

Allele frequency attached by ClinVar (database versions not stated): TOPMed below 0.00001.

Submissions (2):

Labcorp Genetics (formerly Invitae), Labcorp
Classification: Uncertain significance. Last evaluated: 2021-07-26. Review status: criteria provided, single submitter. Criteria: Invitae Variant Classification Sherloc (09022015). Collection method: clinical testing. Allele origin: germline.
Comment: This variant has not been reported in the literature in individuals affected with CHRNA4-related conditions. This variant is not present in population databases (ExAC no frequency). This sequence change replaces glycine with aspartic acid at codon 67 of the CHRNA4 protein (p.Gly67Asp). The glycine residue is highly conserved and there is a moderate physicochemical difference between glycine and aspartic acid. In summary, the available evidence is currently insufficient to determine the role of this variant in disease. Therefore, it has been classified as a Variant of Uncertain Significance. Algorithms developed to predict the effect of missense changes on protein structure and function are either unavailable or do not agree on the potential impact of this missense change (SIFT: "Deleterious"; PolyPhen-2: "Probably Damaging"; Align-GVGD: "Class C0"). ClinVar contains an entry for this variant (Variation ID: 589196). This variant has been observed in at least one individual who was not affected with CHRNA4-related conditions (Invitae).

Ambry Genetics
Classification: Uncertain significance for Inborn genetic diseases. Last evaluated: 2017-06-12. Review status: criteria provided, single submitter. Criteria: Ambry Variant Classification Scheme 2023. Collection method: clinical testing. Allele origin: germline.
Comment: The p.G67D variant (also known as c.200G>A), located in coding exon 2 of the CHRNA4 gene, results from a G to A substitution at nucleotide position 200. The glycine at codon 67 is replaced by aspartic acid, an amino acid with similar properties. This amino acid position is highly conserved in available vertebrate species. In addition, the in silico prediction for this alteration is inconclusive. Since supporting evidence is limited at this time, the clinical significance of this alteration remains unclear.

NM_000744.7(CHRNA4):c.200G>A (p.Gly67Asp)

Gene: CHRNA4 (cholinergic receptor nicotinic alpha 4 subunit; minus strand). Cytogenetic location: 20q13.33.
Variant type: single nucleotide variant.
Coding change: c.200G>A on transcript NM_000744.7 (MANE Select); coding-DNA position 200, G replaced by A.
Protein change: p.Gly67Asp; replaces glycine 67 with aspartic acid.
Molecular consequence: missense variant. On other transcripts: 5 prime UTR variant (1), non-coding transcript variant (1).
Genome position (GRCh38, 1-based): chr20:63,359,576, C>T on the plus strand (G>A on the coding strand, the complement: CHRNA4 is on the minus strand). VCF-style: chr20-63359576-C-T. GRCh37 (hg19) VCF-style: chr20-61990928-C-T.
Other names: c.-347G>A (NM_001256573.2); short protein forms G67D.
Identifiers: ClinVar variation 589196 (VCV000589196.13), dbSNP rs1568819500, ClinGen allele CA409643220.